The following is an entry in ClinVar:

ClinVar aggregate classification (germline): Uncertain significance. Review status: criteria provided, multiple submitters, no conflicts (2 of 4 stars). 3 submissions from 3 submitters: Uncertain significance (3). Last evaluated 2025-03-27.

Conditions:
Inborn genetic diseases. Identifiers: MedGen C0950123, MeSH D030342.

Allele frequency attached by ClinVar (database versions not stated): TOPMed below 0.00001; gnomAD exomes 0.00001; ExAC 0.00002.
gnomAD v4.1: 10 of 1,614,204 alleles (0.00062%); highest among the groups gnomAD compares: Admixed American, 0.0017%; no homozygotes.

Submissions (3):

Ambry Genetics
Classification: Uncertain significance for Inborn genetic diseases. Last evaluated: 2025-03-27. Review status: criteria provided, single submitter. Criteria: Ambry Variant Classification Scheme 2023. Collection method: clinical testing. Allele origin: germline.

Labcorp Genetics (formerly Invitae), Labcorp
Classification: Uncertain significance. Last evaluated: 2024-07-31. Review status: criteria provided, single submitter. Criteria: Invitae Variant Classification Sherloc (09022015). Collection method: clinical testing. Allele origin: germline.
Comment: This sequence change replaces valine, which is neutral and non-polar, with alanine, which is neutral and non-polar, at codon 116 of the COL2A1 protein (p.Val116Ala). This variant is present in population databases (rs779950053, gnomAD 0.003%). This variant has not been reported in the literature in individuals affected with COL2A1-related conditions. ClinVar contains an entry for this variant (Variation ID: 1695856). Advanced modeling of protein sequence and biophysical properties (such as structural, functional, and spatial information, amino acid conservation, physicochemical variation, residue mobility, and thermodynamic stability) has been performed at Invitae for this missense variant, however the output from this modeling did not meet the statistical confidence thresholds required to predict the impact of this variant on COL2A1 protein function. In summary, the available evidence is currently insufficient to determine the role of this variant in disease. Therefore, it has been classified as a Variant of Uncertain Significance.

GeneDx
Classification: Uncertain significance. Last evaluated: 2022-01-05. Review status: criteria provided, single submitter. Criteria: GeneDx Variant Classification Process June 2021. Collection method: clinical testing. Allele origin: germline. Affected: yes.
Comment: Has not been previously published as pathogenic or benign to our knowledge; Not observed at significant frequency in large population cohorts (gnomAD); In silico analysis supports that this missense variant does not alter protein structure/function; Not located in the triple helical region, where the majority of pathogenic missense variants occur (Stenson et al., 2014)

NM_001844.5(COL2A1):c.347T>C (p.Val116Ala)

Gene: COL2A1 (collagen type II alpha 1 chain; minus strand). Cytogenetic location: 12q13.11.
Variant type: single nucleotide variant.
Coding change: c.347T>C on transcript NM_001844.5 (MANE Select); coding-DNA position 347, T replaced by C.
Protein change: p.Val116Ala; replaces valine 116 with alanine.
Molecular consequence: missense variant.
Genome position (GRCh38, 1-based): chr12:47,998,060, A>G on the plus strand (T>C on the coding strand, the complement: COL2A1 is on the minus strand). VCF-style: chr12-47998060-A-G. GRCh37 (hg19) VCF-style: chr12-48391843-A-G.
Other names: c.140T>C, p.Val47Ala (NM_033150.3); short protein forms V116A, V47A.
Identifiers: ClinVar variation 1695856 (VCV001695856.6), dbSNP rs779950053, ClinGen allele CA6535982.